The following is an entry in ClinVar:

NM_000181.4(GUSB):c.-10A>T

Gene: GUSB (glucuronidase beta; minus strand). Cytogenetic location: 7q11.21.
Variant type: single nucleotide variant.
Coding change: c.-10A>T on transcript NM_000181.4 (MANE Select); 10 bases upstream of the start codon, A replaced by T.
Molecular consequence: 5 prime UTR variant. On other transcripts: non-coding transcript variant (1).
Genome position (GRCh38, 1-based): chr7:65,982,193, T>A on the plus strand (A>T on the coding strand, the complement: GUSB is on the minus strand). VCF-style: chr7-65982193-T-A. GRCh37 (hg19) VCF-style: chr7-65447180-T-A.
Other names: c.-10A>T (NM_001284290.2); c.-395A>T (NM_001293104.2); c.-339A>T (NM_001293105.2).
Identifiers: ClinVar variation 910588 (VCV000910588.6), dbSNP rs540793200, ClinGen allele CA4276770.

ClinVar aggregate classification (germline): Conflicting classifications of pathogenicity. Review status: criteria provided, conflicting classifications (1 of 4 stars). 3 submissions from 3 submitters: Uncertain significance (2); Likely benign (1). Last evaluated 2024-10-31.

Conditions:
GUSB-related disorder. Also called: GUSB-related condition.
Mucopolysaccharidosis type 7 (MPS7). Also called: MPS VII; SLY SYNDROME; BETA-GLUCURONIDASE DEFICIENCY; GUSB DEFICIENCY. Identifiers: Orphanet 584, MedGen C0085132, MONDO:0009662, OMIM 253220.

Allele frequency attached by ClinVar (database versions not stated): gnomAD exomes 0.00007 and 0.00016; gnomAD 0.00009; TOPMed 0.00009; ExAC 0.00011; 1000 Genomes Project 30x 0.00016; 1000 Genomes Project 0.00020.
gnomAD v4.1: 118 of 1,501,700 alleles (0.0079%); highest among the groups gnomAD compares: Middle Eastern, 0.3%; 2 homozygotes.

Submissions (3):

PreventionGenetics, part of Exact Sciences
Classification: Likely benign for GUSB-related condition. Last evaluated: 2024-10-31. Review status: criteria provided, single submitter. Criteria: ACMG Guidelines, 2015. Collection method: clinical testing. Allele origin: germline.
Comment: This variant is classified as likely benign based on ACMG/AMP sequence variant interpretation guidelines (Richards et al. 2015 PMID: 25741868, with internal and published modifications).

Illumina Laboratory Services, Illumina
Classification: Uncertain significance for Mucopolysaccharidosis type 7. Last evaluated: 2018-03-30. Review status: criteria provided, single submitter. Criteria: ICSL Variant Classification Criteria 13 December 2019. Collection method: clinical testing. Allele origin: germline.

Breakthrough Genomics
Classification: Uncertain significance. Review status: criteria provided, single submitter. Criteria: ACMG Guidelines, 2015. Collection method: not provided. Allele origin: germline. Inheritance: Autosomal recessive inheritance. Affected: yes.